The following is an entry in ClinVar:

NM_005591.4(MRE11):c.1253T>A (p.Ile418Asn)

Gene: MRE11 (MRE11 double strand break repair nuclease; minus strand). Cytogenetic location: 11q21.
Variant type: single nucleotide variant.
Coding change: c.1253T>A on transcript NM_005591.4 (MANE Select); coding-DNA position 1253, T replaced by A.
Protein change: p.Ile418Asn; replaces isoleucine 418 with asparagine.
Molecular consequence: missense variant.
Genome position (GRCh38, 1-based): chr11:94,461,009, A>T on the plus strand (T>A on the coding strand, the complement: MRE11 is on the minus strand). VCF-style: chr11-94461009-A-T. GRCh37 (hg19) VCF-style: chr11-94194175-A-T.
Other names: c.1253T>A, p.Ile418Asn (NM_001330347.2, NM_005590.4); short protein forms I418N.
Identifiers: ClinVar variation 479741 (VCV000479741.8), dbSNP rs769500356, ClinGen allele CA6235117.

ClinVar aggregate classification (germline): Uncertain significance. Review status: criteria provided, multiple submitters, no conflicts (2 of 4 stars). 3 submissions from 3 submitters: Uncertain significance (3). Last evaluated 2024-03-15.

Conditions:
Ataxia-telangiectasia-like disorder 1 (ATLD1). Identifiers: Orphanet 251347, MedGen C4012790, MONDO:0024557, OMIM 604391.
Ataxia-telangiectasia-like disorder (ATLD). Identifiers: MedGen C1858391, MONDO:0011457.
Hereditary cancer-predisposing syndrome. Also called: Hereditary Cancer Syndrome; Neoplastic Syndromes, Hereditary; Tumor predisposition; Hereditary neoplastic syndrome. Identifiers: Orphanet 140162, MedGen C0027672, MeSH D009386, MONDO:0015356.

Allele frequency attached by ClinVar (database versions not stated): gnomAD exomes 0.00002; ExAC 0.00003.
gnomAD v4.1: 14 of 1,613,576 alleles (0.00087%); highest among the groups gnomAD compares: South Asian, 0.0088%; no homozygotes.

Submissions (3):

Labcorp Genetics (formerly Invitae), Labcorp
Classification: Uncertain significance for Ataxia-telangiectasia-like disorder. Last evaluated: 2024-03-15. Review status: criteria provided, single submitter. Criteria: Invitae Variant Classification Sherloc (09022015). Collection method: clinical testing. Allele origin: germline.
Comment: This sequence change replaces isoleucine, which is neutral and non-polar, with asparagine, which is neutral and polar, at codon 418 of the MRE11 protein (p.Ile418Asn). This variant is present in population databases (rs769500356, gnomAD 0.01%). This variant has not been reported in the literature in individuals affected with MRE11-related conditions. ClinVar contains an entry for this variant (Variation ID: 479741). An algorithm developed to predict the effect of missense changes on protein structure and function (PolyPhen-2) suggests that this variant is likely to be tolerated. In summary, the available evidence is currently insufficient to determine the role of this variant in disease. Therefore, it has been classified as a Variant of Uncertain Significance.

Baylor Genetics
Classification: Uncertain significance for Ataxia-telangiectasia-like disorder 1. Last evaluated: 2023-08-29. Review status: criteria provided, single submitter. Criteria: ACMG Guidelines, 2015. Collection method: clinical testing. Allele origin: unknown.

Ambry Genetics
Classification: Uncertain significance for Hereditary cancer-predisposing syndrome. Last evaluated: 2022-10-03. Review status: criteria provided, single submitter. Criteria: Ambry Variant Classification Scheme 2023. Collection method: clinical testing. Allele origin: germline.
Comment: The p.I418N variant (also known as c.1253T>A), located in coding exon 11 of the MRE11A gene, results from a T to A substitution at nucleotide position 1253. The isoleucine at codon 418 is replaced by asparagine, an amino acid with dissimilar properties. This amino acid position is not well conserved in available vertebrate species. In addition, this alteration is predicted to be tolerated by in silico analysis. Since supporting evidence is limited at this time, the clinical significance of this alteration remains unclear.